The following is an entry in ClinVar:

ClinVar aggregate classification (germline): Uncertain significance (1 of 4 stars; one submission).

Allele frequency attached by ClinVar (database versions not stated): ExAC 0.00002; gnomAD exomes 0.00002 and 0.00003; gnomAD 0.00001.
gnomAD v4.1: 31 of 1,209,214 alleles (0.0026%); highest among the groups gnomAD compares: Non-Finnish European, 0.0035%; no homozygotes.

Submission:

GeneDx
Classification: Uncertain significance. Last evaluated: 2019-09-04. Review status: criteria provided, single submitter. Criteria: GeneDx Variant Classification Process June 2021. Collection method: clinical testing. Allele origin: germline. Affected: yes.
Comment: Not observed at a significant frequency in large population cohorts (Lek et al., 2016); In silico analysis, which includes protein predictors and evolutionary conservation, supports that this variant does not alter protein structure/function; Has not been previously published as pathogenic or benign to our knowledge

NM_001379451.1(BCORL1):c.3359A>G (p.Lys1120Arg)

Gene: BCORL1 (BCL6 corepressor like 1; plus strand). Cytogenetic location: Xq26.1.
Variant type: single nucleotide variant.
Coding change: c.3359A>G on transcript NM_001379451.1 (MANE Select); coding-DNA position 3359, A replaced by G.
Protein change: p.Lys1120Arg; replaces lysine 1120 with arginine.
Molecular consequence: missense variant.
Genome position (GRCh38, 1-based): chrX:130,016,131, A>G. VCF-style: chrX-130016131-A-G. GRCh37 (hg19) VCF-style: chrX-129150107-A-G.
Other names: c.3359A>G, p.Lys1120Arg (NM_001184772.3, NM_001379450.1, NM_021946.5); short protein forms K1120R.
Identifiers: ClinVar variation 1203536 (VCV001203536.3), dbSNP rs775421282, ClinGen allele CA10514482.